The following is an entry in ClinVar:

NM_006885.4(ZFHX3):c.8480A>C (p.Gln2827Pro)

Genes: ZFHX3 (zinc finger homeobox 3; minus strand), ZFHX3-AS1 (ZFHX3 antisense RNA 1; plus strand). Cytogenetic location: 16q22.2.
Variant type: single nucleotide variant.
Coding change: c.8480A>C on transcript NM_006885.4 (MANE Select); coding-DNA position 8480, A replaced by C.
Protein change: p.Gln2827Pro; replaces glutamine 2827 with proline.
Molecular consequence: missense variant.
Genome position (GRCh38, 1-based): chr16:72,794,202, T>G on the plus strand (A>C on the coding strand, the complement: ZFHX3 is on the minus strand). VCF-style: chr16-72794202-T-G. GRCh37 (hg19) VCF-style: chr16-72828101-T-G.
Other names: c.5738A>C, p.Gln1913Pro (NM_001164766.2); c.8480A>C, p.Gln2827Pro (NM_001386735.1); short protein forms Q1913P, Q2827P.
Identifiers: ClinVar variation 3367883 (VCV003367883.1).

ClinVar aggregate classification (germline): Uncertain significance (1 of 4 stars; one submission).

Submission:

GeneDx
Classification: Uncertain significance. Last evaluated: 2024-01-16. Review status: criteria provided, single submitter. Criteria: GeneDx Variant Classification Process June 2021. Collection method: clinical testing. Allele origin: germline. Affected: yes.
Comment: Not observed at significant frequency in large population cohorts (gnomAD); In silico analysis supports that this missense variant has a deleterious effect on protein structure/function; Has not been previously published as pathogenic or benign to our knowledge; Variants in candidate genes are classified as variants of uncertain significance in accordance with ACMG guidelines (PMID: 25741868)